The following is an entry in ClinVar:

ClinVar aggregate classification (germline): Uncertain significance (1 of 4 stars; one submission).

gnomAD v4.1: 5 of 1,545,450 alleles (0.00032%); highest among the groups gnomAD compares: African/African-American, 0.0069%; no homozygotes.

Submission:

Labcorp Genetics (formerly Invitae), Labcorp
Classification: Uncertain significance. Last evaluated: 2025-08-29. Review status: criteria provided, single submitter. Criteria: Invitae Variant Classification Sherloc (09022015). Collection method: clinical testing. Allele origin: germline.
Comment: This sequence change replaces asparagine, which is neutral and polar, with serine, which is neutral and polar, at codon 5 of the KIF2A protein (p.Asn5Ser). This variant is present in population databases (no rsID available, gnomAD 0.01%). This variant has not been reported in the literature in individuals affected with KIF2A-related conditions. ClinVar contains an entry for this variant (Variation ID: 3659638). An algorithm developed to predict the effect of missense changes on protein structure and function (PolyPhen-2) suggests that this variant is likely to be tolerated. In summary, the available evidence is currently insufficient to determine the role of this variant in disease. Therefore, it has been classified as a Variant of Uncertain Significance.

NM_001098511.3(KIF2A):c.14A>G (p.Asn5Ser)

Genes: KIF2A (kinesin family member 2A; plus strand), LOC129993961 (ATAC-STARR-seq lymphoblastoid silent region 16051; plus strand). Cytogenetic location: 5q12.1.
Variant type: single nucleotide variant.
Coding change: c.14A>G on transcript NM_001098511.3 (MANE Select); coding-DNA position 14, A replaced by G.
Protein change: p.Asn5Ser; replaces asparagine 5 with serine.
Molecular consequence: missense variant. On other transcripts: 5 prime UTR variant (1).
Genome position (GRCh38, 1-based): chr5:62,306,486, A>G. VCF-style: chr5-62306486-A-G. GRCh37 (hg19) VCF-style: chr5-61602313-A-G.
Other names: c.-271A>G (NM_001243952.2); c.14A>G, p.Asn5Ser (NM_001243953.2, NM_004520.5); short protein forms N5S.
Identifiers: ClinVar variation 3659638 (VCV003659638.2).